The following is an entry in ClinVar:

NM_016203.4(PRKAG2):c.588C>T (p.Ser196=)

Gene: PRKAG2 (protein kinase AMP-activated non-catalytic subunit gamma 2; minus strand). Cytogenetic location: 7q36.1.
Variant type: single nucleotide variant.
Coding change: c.588C>T on transcript NM_016203.4 (MANE Select); coding-DNA position 588, C replaced by T.
Protein change: p.Ser196=; no amino-acid change (serine 196 retained).
Molecular consequence: synonymous variant. On other transcripts: intron variant (5).
Genome position (GRCh38, 1-based): chr7:151,675,516, G>A on the plus strand (C>T on the coding strand, the complement: PRKAG2 is on the minus strand). VCF-style: chr7-151675516-G-A. GRCh37 (hg19) VCF-style: chr7-151372602-G-A.
Other names: c.456C>T, p.Ser152= (NM_001040633.2, NM_001407024.1, NM_001407026.1 and 1 more transcripts); c.216C>T, p.Ser72= (NM_001304527.2, NM_001363698.2, NM_001407028.1 and 1 more transcripts); c.588C>T, p.Ser196= (NM_001407021.1, NM_001407022.1, NM_001407023.1); c.270C>T, p.Ser90= (NM_001407032.1); c.467-80065C>T (NM_001407031.1); c.467-80062C>T (NM_001407030.1); c.361-43378C>T (NM_001407033.1); c.94+60384C>T (NM_001407037.1); and 1 more.
Identifiers: ClinVar variation 3071874 (VCV003071874.2), dbSNP rs2537256189, ClinGen allele CA458798331.

ClinVar aggregate classification (germline): Likely benign. Review status: criteria provided, multiple submitters, no conflicts (2 of 4 stars). 2 submissions from 2 submitters: Likely benign (2). Last evaluated 2025-08-10.

Conditions:
Lethal congenital glycogen storage disease of heart. Also called: GLYCOGEN STORAGE DISEASE OF HEART; PHOSPHORYLASE KINASE DEFICIENCY OF HEART. Identifiers: Orphanet 439854, MedGen C1849813, MONDO:0009867, OMIM 261740.
Hypertrophic cardiomyopathy. Also called: HYPERTROPHIC MYOCARDIOPATHY. Identifiers: Orphanet 217569, MedGen C0007194, MeSH D002312, MONDO:0005045, HP:0001639.

gnomAD v4.1: 1 of 1,614,214 alleles (0.000062%); no homozygotes.

Submissions (2):

Labcorp Genetics (formerly Invitae), Labcorp
Classification: Likely benign for Lethal congenital glycogen storage disease of heart. Last evaluated: 2025-08-10. Review status: criteria provided, single submitter. Criteria: Invitae Variant Classification Sherloc (09022015). Collection method: clinical testing. Allele origin: germline.

All of Us Research Program, National Institutes of Health
Classification: Likely benign for Hypertrophic cardiomyopathy. Last evaluated: 2023-06-26. Review status: criteria provided, single submitter. Criteria: ACMG Guidelines, 2015. Collection method: clinical testing. Allele origin: germline. Inheritance: Autosomal dominant inheritance. Observed: 1 variant allele, 1 heterozygote.
Comment: This study involves interpretation of variants in research participants for the purpose of population health screening. Participant phenotype was not available at the time of variant classification. Additional details can be found in publication PMID: 35346344, PMCID: PMC8962531